The following is an entry in ClinVar:

ClinVar aggregate classification (germline): Uncertain significance. Review status: criteria provided, multiple submitters, no conflicts (2 of 4 stars). 2 submissions from 2 submitters: Uncertain significance (2). Last evaluated 2025-10-21.

Conditions:
Renal coloboma syndrome (PAPRS). Also called: COLOBOMA OF OPTIC NERVE WITH RENAL DISEASE; PAPILLORENAL SYNDROME; PAPILLORENAL SYNDROME WITH MILD OCULAR ABNORMALITIES; OPTIC COLOBOMA, VESICOURETERAL REFLUX, AND RENAL ANOMALIES; OPTIC NERVE COLOBOMA WITH RENAL DISEASE; RENAL-COLOBOMA SYNDROME WITH MACULAR ABNORMALITIES. Identifiers: Orphanet 1475, MedGen C1852759, MONDO:0007352, OMIM 120330.
Focal segmental glomerulosclerosis 7 (FSGS7). Identifiers: Orphanet 656, MedGen C4014925, MONDO:0014451, OMIM 616002.

gnomAD v4.1: 1 of 1,613,946 alleles (0.000062%); highest among the groups gnomAD compares: African/African-American, 0.0013%; no homozygotes.

Submissions (2):

Labcorp Genetics (formerly Invitae), Labcorp
Classification: Uncertain significance for Renal coloboma syndrome; Focal segmental glomerulosclerosis 7. Last evaluated: 2025-10-21. Review status: criteria provided, single submitter. Criteria: Invitae Variant Classification Sherloc (09022015). Collection method: clinical testing. Allele origin: germline.
Comment: This sequence change replaces proline, which is neutral and non-polar, with serine, which is neutral and polar, at codon 173 of the PAX2 protein (p.Pro173Ser). This variant is present in population databases (no rsID available, gnomAD 0.01%). This variant has not been reported in the literature in individuals affected with PAX2-related conditions. ClinVar contains an entry for this variant (Variation ID: 3590014). Experimental studies and prediction algorithms are not available or were not evaluated, and the functional significance of this variant is currently unknown. Algorithms developed to predict the effect of sequence changes on RNA splicing suggest that this variant may create or strengthen a splice site. In summary, the available evidence is currently insufficient to determine the role of this variant in disease. Therefore, it has been classified as a Variant of Uncertain Significance.

Fulgent Genetics
Classification: Uncertain significance for Renal coloboma syndrome; Focal segmental glomerulosclerosis 7. Last evaluated: 2024-01-23. Review status: criteria provided, single submitter. Criteria: ACMG Guidelines, 2015. Collection method: clinical testing. Allele origin: germline.

NM_000278.5(PAX2):c.517C>T (p.Pro173Ser)

Gene: PAX2 (paired box 2; plus strand). Cytogenetic location: 10q24.31.
Variant type: single nucleotide variant.
Coding change: c.517C>T on transcript NM_000278.5 (MANE Select); coding-DNA position 517, C replaced by T.
Protein change: p.Pro173Ser; replaces proline 173 with serine.
Molecular consequence: missense variant.
Genome position (GRCh38, 1-based): chr10:100,781,266, C>T. VCF-style: chr10-100781266-C-T. GRCh37 (hg19) VCF-style: chr10-102541023-C-T.
Other names: c.610C>T, p.Pro204Ser (NM_001304569.2); c.517C>T, p.Pro173Ser (NM_003987.5, NM_003988.5, NM_003989.5 and 1 more transcripts); short protein forms P204S, P173S.
Identifiers: ClinVar variation 3590014 (VCV003590014.3).